The following is an entry in ClinVar:

ClinVar aggregate classification (germline): Conflicting classifications of pathogenicity. Review status: criteria provided, conflicting classifications (1 of 4 stars). 2 submissions from 2 submitters: Uncertain significance (1); Likely benign (1). Last evaluated 2025-09-01.

Conditions:
Inborn genetic diseases. Identifiers: MedGen C0950123, MeSH D030342.

Allele frequency attached by ClinVar (database versions not stated): ExAC 0.00001; gnomAD exomes 0.00004 and 0.00010; gnomAD 0.00006 and 0.00007.
gnomAD v4.1: 170 of 1,613,642 alleles (0.011%); highest among the groups gnomAD compares: Non-Finnish European, 0.013%; no homozygotes.

Submissions (2):

Ambry Genetics
Classification: Likely benign for Inborn genetic diseases. Last evaluated: 2025-09-01. Review status: criteria provided, single submitter. Criteria: Ambry Variant Classification Scheme 2023. Collection method: clinical testing. Allele origin: germline.

Labcorp Genetics (formerly Invitae), Labcorp
Classification: Uncertain significance. Last evaluated: 2021-08-02. Review status: criteria provided, single submitter. Criteria: Invitae Variant Classification Sherloc (09022015). Collection method: clinical testing. Allele origin: germline.
Comment: This sequence change replaces arginine with serine at codon 77 of the C6 protein (p.Arg77Ser). The arginine residue is weakly conserved and there is a moderate physicochemical difference between arginine and serine. This variant is present in population databases (rs751748298, ExAC 0.002%). This variant has not been reported in the literature in individuals affected with C6-related conditions. Algorithms developed to predict the effect of missense changes on protein structure and function output the following: SIFT: "Tolerated"; PolyPhen-2: "Benign"; Align-GVGD: "Class C0". The serine amino acid residue is found in multiple mammalian species, which suggests that this missense change does not adversely affect protein function. In summary, the available evidence is currently insufficient to determine the role of this variant in disease. Therefore, it has been classified as a Variant of Uncertain Significance.

NM_000065.5(C6):c.231A>T (p.Arg77Ser)

Gene: C6 (complement C6; minus strand). Cytogenetic location: 5p13.1.
Variant type: single nucleotide variant.
Coding change: c.231A>T on transcript NM_000065.5 (MANE Select); coding-DNA position 231, A replaced by T.
Protein change: p.Arg77Ser; replaces arginine 77 with serine.
Molecular consequence: missense variant.
Genome position (GRCh38, 1-based): chr5:41,201,627, T>A on the plus strand (A>T on the coding strand, the complement: C6 is on the minus strand). VCF-style: chr5-41201627-T-A. GRCh37 (hg19) VCF-style: chr5-41201729-T-A.
Other names: c.231A>T (NM_000065.2); c.231A>T, p.Arg77Ser (NM_001115131.4); short protein forms R77S.
Identifiers: ClinVar variation 1520505 (VCV001520505.4), dbSNP rs751748298, ClinGen allele CA3252858.